The following is an entry in ClinVar:

NM_001018115.3(FANCD2):c.38_39del (p.Lys13fs)

Gene: FANCD2 (FA complementation group D2; plus strand). Cytogenetic location: 3p25.3.
Variant type: Deletion.
Coding change: c.38_39del on transcript NM_001018115.3 (MANE Select); coding-DNA positions 38 to 39, 2 bases deleted (AA; older notation c.38_39delAA).
Protein change: p.Lys13fs; shifts the reading frame from lysine 13.
Molecular consequence: frameshift variant.
Genome position (GRCh38, 1-based): chr3:10,028,695-10,028,696, AA deleted; deleting any 2 consecutive bases within chr3:10,028,694-10,028,696 gives the same sequence; the c. name uses the placement nearest the transcript's 3' end. VCF-style (leftmost placement, unchanged base first): chr3-10028693-TAA-T. GRCh37 (hg19) VCF-style: chr3-10070377-TAA-T.
Other names: c.38_39del, p.Lys13fs (NM_001319984.2, NM_001374253.1, NM_001374254.1 and 2 more transcripts); short protein forms K13fs.
Identifiers: ClinVar variation 2982057 (VCV002982057.4), dbSNP rs1575723664, ClinGen allele CA2740094297.

ClinVar aggregate classification (germline): Pathogenic. Review status: criteria provided, multiple submitters, no conflicts (2 of 4 stars). 2 submissions from 2 submitters: Pathogenic (2). Last evaluated 2025-08-25.

Conditions:
Fanconi anemia complementation group D2. Also called: FANCONI PANCYTOPENIA, TYPE 4; FANCONI ANEMIA, COMPLEMENTATION GROUP D; FANCD2-Related Fanconi Anemia. Identifiers: Orphanet 84, MedGen C3160738, MONDO:0009214, OMIM 227646.
Fanconi anemia (FA). Also called: Fanconi's anemia. Identifiers: Orphanet 84, MedGen C0015625, MeSH D005199, MONDO:0019391.

Submissions (2):

Labcorp Genetics (formerly Invitae), Labcorp
Classification: Pathogenic for Fanconi anemia. Last evaluated: 2025-08-25. Review status: criteria provided, single submitter. Criteria: Invitae Variant Classification Sherloc (09022015). Collection method: clinical testing. Allele origin: germline.
Comment: This sequence change creates a premature translational stop signal (p.Lys13Argfs*26) in the FANCD2 gene. It is expected to result in an absent or disrupted protein product. Loss-of-function variants in FANCD2 are known to be pathogenic (PMID: 17436244). This variant is not present in population databases (gnomAD no frequency). This variant has not been reported in the literature in individuals affected with FANCD2-related conditions. ClinVar contains an entry for this variant (Variation ID: 2982057). For these reasons, this variant has been classified as Pathogenic.

3billion
Classification: Pathogenic for Fanconi anemia complementation group D2. Last evaluated: 2024-11-01. Review status: criteria provided, single submitter. Criteria: ACMG Guidelines, 2015. Collection method: clinical testing. Allele origin: germline. Affected: yes.
Comment: The variant is not observed in the gnomAD v4.1.0 dataset. Predicted Consequence/Location: Frameshift: predicted to result in a loss or disruption of normal protein function through nonsense-mediated decay (NMD) or protein truncation. Multiple pathogenic variants are reported downstream of the variant. The variant has been reported to be associated with FANCD2 related disorder (ClinVar ID: VCV002982057). Therefore, this variant is classified as Pathogenic according to the recommendation of ACMG/AMP guideline.

Literature cited by the submitters: PubMed 17436244 (cited by Labcorp Genetics (formerly Invitae), Labcorp).